The following is an entry in ClinVar:

ClinVar aggregate classification (germline): Conflicting classifications of pathogenicity. Review status: criteria provided, conflicting classifications (1 of 4 stars). 6 submissions from 6 submitters: Uncertain significance (5); Likely benign (1). Last evaluated 2025-12-12.

Conditions:
Cardiovascular phenotype. Identifiers: MedGen CN230736.
Familial isolated arrhythmogenic right ventricular dysplasia. Identifiers: Orphanet 217656, MedGen C4274968, MONDO:0016342.
Arrhythmogenic right ventricular dysplasia 11. Also called: ARRHYTHMOGENIC RIGHT VENTRICULAR DYSPLASIA, FAMILIAL, 11; Arrhythmogenic Right Ventricular Dysplasia/Cardiomyopathy11; Arrhythmogenic right ventricular dysplasia 11 with mild palmoplantar keratoderma and woolly hair. Identifiers: MedGen C1864850, MONDO:0012506, OMIM 610476.
Cardiomyopathy (CMYO). Also called: Cardiomyopathies. Identifiers: Orphanet 167848, MedGen C0878544, MONDO:0004994, HP:0001638. Inheritance: Various modes of inheritance.

Allele frequency attached by ClinVar (database versions not stated): TOPMed below 0.00001; ExAC 0.00001; gnomAD exomes below 0.00001; gnomAD 0.00001.
gnomAD v4.1: 5 of 1,614,002 alleles (0.00031%); highest among the groups gnomAD compares: Middle Eastern, 0.066%; no homozygotes.

Submissions (6):

Mayo Clinic Laboratories, Mayo Clinic
Classification: Uncertain significance. Last evaluated: 2025-12-12. Review status: criteria provided, single submitter. Criteria: ACMG Guidelines, 2015. Collection method: clinical testing. Allele origin: germline. Observed: 1 variant allele.
Comment: BP4_moderate, PM2_supporting

Labcorp Genetics (formerly Invitae), Labcorp
Classification: Uncertain significance for Arrhythmogenic right ventricular dysplasia 11. Last evaluated: 2025-09-23. Review status: criteria provided, single submitter. Criteria: Invitae Variant Classification Sherloc (09022015). Collection method: clinical testing. Allele origin: germline.
Comment: This sequence change replaces histidine, which is basic and polar, with proline, which is neutral and non-polar, at codon 813 of the DSC2 protein (p.His813Pro). This variant is present in population databases (rs766881629, gnomAD 0.0009%). This variant has not been reported in the literature in individuals affected with DSC2-related conditions. ClinVar contains an entry for this variant (Variation ID: 919602). Invitae Evidence Modeling of protein sequence and biophysical properties (such as structural, functional, and spatial information, amino acid conservation, physicochemical variation, residue mobility, and thermodynamic stability) indicates that this missense variant is not expected to disrupt DSC2 protein function with a negative predictive value of 80%. In summary, the available evidence is currently insufficient to determine the role of this variant in disease. Therefore, it has been classified as a Variant of Uncertain Significance.

Ambry Genetics
Classification: Uncertain significance for Cardiovascular phenotype. Last evaluated: 2025-02-06. Review status: criteria provided, single submitter. Criteria: Ambry Variant Classification Scheme 2023. Collection method: clinical testing. Allele origin: germline.
Comment: The p.H813P variant (also known as c.2438A>C), located in coding exon 15 of the DSC2 gene, results from an A to C substitution at nucleotide position 2438. The histidine at codon 813 is replaced by proline, an amino acid with similar properties. This amino acid position is poorly conserved in available vertebrate species. In addition, this alteration is predicted to be tolerated by in silico analysis. Since supporting evidence is limited at this time, the clinical significance of this alteration remains unclear.

Color Diagnostics, LLC DBA Color Health
Classification: Uncertain significance for Cardiomyopathy. Last evaluated: 2024-08-27. Review status: criteria provided, single submitter. Criteria: ACMG Guidelines, 2015. Collection method: clinical testing. Allele origin: germline.
Comment: This missense variant replaces histidine with proline at codon 813 of the DSC2 protein. Computational prediction suggests that this variant may not impact protein structure and function. To our knowledge, functional studies have not been reported for this variant. This variant has not been reported in individuals affected with DSC2-related disorders in the literature. This variant has been identified in 1/251242 chromosomes in the general population by the Genome Aggregation Database (gnomAD). The available evidence is insufficient to determine the role of this variant in disease conclusively. Therefore, this variant is classified as a Variant of Uncertain Significance.

GeneDx
Classification: Uncertain significance. Last evaluated: 2024-08-14. Review status: criteria provided, single submitter. Criteria: GeneDx Variant Classification Process June 2021. Collection method: clinical testing. Allele origin: germline. Affected: yes.
Comment: Has not been previously published as pathogenic or benign to our knowledge; In silico analysis supports that this missense variant has a deleterious effect on protein structure/function

All of Us Research Program, National Institutes of Health
Classification: Likely benign for Familial isolated arrhythmogenic right ventricular dysplasia. Last evaluated: 2023-12-13. Review status: criteria provided, single submitter. Criteria: ACMG Guidelines, 2015. Collection method: clinical testing. Allele origin: germline. Inheritance: Autosomal dominant inheritance. Observed: 3 variant alleles, 3 heterozygotes.
Comment: This study involves interpretation of variants in research participants for the purpose of population health screening. Participant phenotype was not available at the time of variant classification. Additional details can be found in publication PMID: 35346344, PMCID: PMC8962531

NM_024422.6(DSC2):c.2438A>C (p.His813Pro)

Gene: DSC2 (desmocollin 2; minus strand). Cytogenetic location: 18q12.1.
Variant type: single nucleotide variant.
Coding change: c.2438A>C on transcript NM_024422.6 (MANE Select); coding-DNA position 2438, A replaced by C.
Protein change: p.His813Pro; replaces histidine 813 with proline.
Molecular consequence: missense variant.
Genome position (GRCh38, 1-based): chr18:31,068,964, T>G on the plus strand (A>C on the coding strand, the complement: DSC2 is on the minus strand). VCF-style: chr18-31068964-T-G. GRCh37 (hg19) VCF-style: chr18-28648930-T-G.
Other names: p.His813Pro; c.2438A>C, p.His813Pro (NM_004949.5); short protein forms H813P.
Identifiers: ClinVar variation 919602 (VCV000919602.14), dbSNP rs766881629, ClinGen allele CA036776.